The following is an entry in ClinVar:

NM_013266.4(CTNNA3):c.808G>C (p.Ala270Pro)

Gene: CTNNA3 (catenin alpha 3; minus strand). Cytogenetic location: 10q21.3.
Variant type: single nucleotide variant.
Coding change: c.808G>C on transcript NM_013266.4 (MANE Select); coding-DNA position 808, G replaced by C.
Protein change: p.Ala270Pro; replaces alanine 270 with proline.
Molecular consequence: missense variant.
Genome position (GRCh38, 1-based): chr10:67,219,642, C>G on the plus strand (G>C on the coding strand, the complement: CTNNA3 is on the minus strand). VCF-style: chr10-67219642-C-G. GRCh37 (hg19) VCF-style: chr10-68979400-C-G.
Other names: c.808G>C, p.Ala270Pro (NM_001127384.3); c.844G>C, p.Ala282Pro (NM_001291133.2); short protein forms A270P, A282P.
Identifiers: ClinVar variation 3226245 (VCV003226245.1), dbSNP rs368027975, ClinGen allele CA377097211.
Genomic context (GRCh38, chr10:67,219,642, plus strand): 5'-ACACTTTATCTTTCTCCCGACTTACCTCCAGCTCATCAAGGGCACTTCCCAGGGTTGCTG[C>G]CTGAGGTTCTGGTGGGGTTGTCATATTCTGGATCCCTTGTGAAGCATTTGAAATTACATT-3'
Protein context (NP_037398.2, residues 260-280): QNMTTPPEPQ[Ala270Pro]ATLGSALDEL

ClinVar aggregate classification (germline): Uncertain significance (1 of 4 stars; one submission).

Allele frequency attached by ClinVar (database versions not stated): gnomAD exomes below 0.00001.
gnomAD v4.1: 4 of 1,614,020 alleles (0.00025%); highest among the groups gnomAD compares: Non-Finnish European, 0.00034%; no homozygotes.

Submission:

Ambry Genetics
Classification: Uncertain significance. Last evaluated: 2024-02-23. Review status: criteria provided, single submitter. Criteria: Ambry Variant Classification Scheme 2023. Collection method: clinical testing. Allele origin: germline.
Comment: The p.A270P variant (also known as c.808G>C), located in coding exon 5 of the CTNNA3 gene, results from a G to C substitution at nucleotide position 808. The alanine at codon 270 is replaced by proline, an amino acid with highly similar properties. This amino acid position is conserved. In addition, this alteration is predicted to be tolerated by in silico analysis. Based on the available evidence, the clinical significance of this alteration remains unclear.